The following is an entry in ClinVar:

ClinVar aggregate classification (germline): Benign (1 of 4 stars; one submission).

Allele frequency attached by ClinVar (database versions not stated): 1000 Genomes Project 0.15375; 1000 Genomes Project 30x 0.15771; TOPMed 0.21142; gnomAD 0.21672 and 0.21940.
gnomAD v4.1: 33,019 of 152,196 alleles (22%); highest among the groups gnomAD compares: Non-Finnish European, 28%; 3,866 homozygotes.

Submission:

GeneDx
Classification: Benign. Last evaluated: 2018-06-14. Review status: criteria provided, single submitter. Criteria: GeneDx Variant Classification (06012015). Collection method: clinical testing. Allele origin: germline. Affected: yes.
Comment: This variant is considered likely benign or benign based on one or more of the following criteria: it is a conservative change, it occurs at a poorly conserved position in the protein, it is predicted to be benign by multiple in silico algorithms, and/or has population frequency not consistent with disease.

NM_022041.4(GAN):c.1087-233T>C

Gene: GAN (gigaxonin; plus strand). Cytogenetic location: 16q23.2.
Variant type: single nucleotide variant.
Coding change: c.1087-233T>C on transcript NM_022041.4 (MANE Select); 233 bases into the intron before coding-DNA position 1087, T replaced by C.
Molecular consequence: intron variant.
Genome position (GRCh38, 1-based): chr16:81,363,561, T>C. VCF-style: chr16-81363561-T-C. GRCh37 (hg19) VCF-style: chr16-81397166-T-C.
Other names: c.448-233T>C (NM_001377486.1).
Identifiers: ClinVar variation 681702 (VCV000681702.1), dbSNP rs2550738, ClinGen allele CA14303620.